The following is an entry in ClinVar:

ClinVar aggregate classification (germline): Uncertain significance (1 of 4 stars; one submission).

Conditions:
BDNF-related disorder. Also called: BDNF-related condition.

gnomAD v4.1: 29 of 1,604,462 alleles (0.0018%); highest among the groups gnomAD compares: African/African-American, 0.025%; no homozygotes.

Submission:

PreventionGenetics, part of Exact Sciences
Classification: Uncertain significance for BDNF-related condition. Last evaluated: 2026-03-09. Review status: criteria provided, single submitter. Criteria: ACMG Guidelines, 2015. Collection method: clinical testing. Allele origin: germline.
Comment: The BDNF c.83G>C variant is predicted to result in the amino acid substitution p.Gly28Ala. To our knowledge, this variant has not been reported in the literature. This variant is reported in 0.037% of alleles in individuals of East Asian descent in gnomAD. At this time, the clinical significance of this variant is uncertain due to the absence of conclusive functional and genetic evidence.

NM_001709.5(BDNF):c.-21-15617G>C

Genes: BDNF (brain derived neurotrophic factor; minus strand), BDNF-AS (BDNF antisense RNA; plus strand). Cytogenetic location: 11p14.1.
Variant type: single nucleotide variant.
Coding change: c.-21-15617G>C on transcript NM_001709.5 (MANE Select); 15617 bases into the intron before 21 bases upstream of the start codon, G replaced by C.
Molecular consequence: intron variant. On other transcripts: missense variant (1), 5 prime UTR variant (1).
Genome position (GRCh38, 1-based): chr11:27,674,202, C>G on the plus strand (G>C on the coding strand, the complement: BDNF is on the minus strand). VCF-style: chr11-27674202-C-G. GRCh37 (hg19) VCF-style: chr11-27695749-C-G.
Other names: c.83G>C, p.Gly28Ala (NM_001143810.2); c.-281G>C (NM_001143811.2); c.4-15617G>C (NM_170731.5); c.-21-15617G>C (NM_001143805.1, NM_001143806.1, NM_170732.4 and 5 more transcripts); c.67-15617G>C (NM_001143809.2); c.-128-15276G>C (NM_001143814.2); c.25-15617G>C (NM_170734.4); short protein forms G28A.
Identifiers: ClinVar variation 4981666 (VCV004981666.1).